The following is an entry in ClinVar:

NM_002582.4(PARN):c.1667A>G (p.Asn556Ser)

Gene: PARN (poly(A)-specific ribonuclease; minus strand). Cytogenetic location: 16p13.12.
Variant type: single nucleotide variant.
Coding change: c.1667A>G on transcript NM_002582.4 (MANE Select); coding-DNA position 1667, A replaced by G.
Protein change: p.Asn556Ser; replaces asparagine 556 with serine.
Molecular consequence: missense variant.
Genome position (GRCh38, 1-based): chr16:14,482,641, T>C on the plus strand (A>G on the coding strand, the complement: PARN is on the minus strand). VCF-style: chr16-14482641-T-C. GRCh37 (hg19) VCF-style: chr16-14576498-T-C.
Other names: c.1667A>G (NM_002582.3); c.1484A>G, p.Asn495Ser (NM_001134477.3); c.1529A>G, p.Asn510Ser (NM_001242992.2); short protein forms N556S, N510S, N495S.
Identifiers: ClinVar variation 2922601 (VCV002922601.4), dbSNP rs762930640, ClinGen allele CA7911970.

ClinVar aggregate classification (germline): Uncertain significance. Review status: criteria provided, multiple submitters, no conflicts (2 of 4 stars). 2 submissions from 2 submitters: Uncertain significance (2). Last evaluated 2024-05-31.

Conditions:
Dyskeratosis congenita, autosomal recessive 6 (DKCB6). Identifiers: MedGen C4225356, MONDO:0014600, OMIM 616353.
Pulmonary fibrosis and/or bone marrow failure, Telomere-related, 4. Also called: PULMONARY FIBROSIS AND/OR BONE MARROW FAILURE SYNDROME, TELOMERE-RELATED, 4. Identifiers: Orphanet 2032, MedGen C4225347, MONDO:0014612, OMIM 616371.

Allele frequency attached by ClinVar (database versions not stated): gnomAD exomes below 0.00001; ExAC 0.00001; gnomAD 0.00001; TOPMed 0.00001.
gnomAD v4.1: 3 of 1,597,654 alleles (0.00019%); highest among the groups gnomAD compares: East Asian, 0.0022%; no homozygotes.

Submissions (2):

Fulgent Genetics
Classification: Uncertain significance for Dyskeratosis congenita, autosomal recessive 6; Pulmonary fibrosis and/or bone marrow failure, Telomere-related, 4. Last evaluated: 2024-05-31. Review status: criteria provided, single submitter. Criteria: ACMG Guidelines, 2015. Collection method: clinical testing. Allele origin: germline.

Labcorp Genetics (formerly Invitae), Labcorp
Classification: Uncertain significance for Dyskeratosis congenita, autosomal recessive 6; Pulmonary fibrosis and/or bone marrow failure, Telomere-related, 4. Last evaluated: 2022-12-24. Review status: criteria provided, single submitter. Criteria: Invitae Variant Classification Sherloc (09022015). Collection method: clinical testing. Allele origin: germline.
Comment: This sequence change replaces asparagine, which is neutral and polar, with serine, which is neutral and polar, at codon 556 of the PARN protein (p.Asn556Ser). This variant is present in population databases (rs762930640, gnomAD 0.006%). This variant has not been reported in the literature in individuals affected with PARN-related conditions. Algorithms developed to predict the effect of missense changes on protein structure and function output the following: SIFT: "Tolerated"; PolyPhen-2: "Benign"; Align-GVGD: "Class C0". The serine amino acid residue is found in multiple mammalian species, which suggests that this missense change does not adversely affect protein function. Algorithms developed to predict the effect of sequence changes on RNA splicing suggest that this variant may create or strengthen a splice site. In summary, the available evidence is currently insufficient to determine the role of this variant in disease. Therefore, it has been classified as a Variant of Uncertain Significance.